The following is an entry in ClinVar:

GRCh37/hg19 Xp21.1(chrX:31855685-32248817)x3

Gene: DMD (dystrophin; minus strand). Cytogenetic location: Xp21.1.
Variant type: copy number gain.
Change: copy number 3 of chrX:31,855,685-32,248,817 (393.1 kb, GRCh37 coordinates, 1-based), cytogenetic band Xp21.1.
Identifiers: ClinVar variation 1807824 (VCV001807824.1).

ClinVar aggregate classification (germline): Likely pathogenic (1 of 4 stars; one submission).

Submission:

Quest Diagnostics Nichols Institute San Juan Capistrano
Classification: Likely pathogenic. Last evaluated: 2021-12-09. Review status: criteria provided, single submitter. Criteria: ACMG/ClinGen CNV Guidelines, 2019. Collection method: clinical testing. Allele origin: unknown.
Comment: The copy number gain of Xp21.1 involves multiple exons of an intragenic portion of gene DMD (OMIM 300377, NM_004006.3). It is not clear whether expression of DMD has been disrupted by this partial gain. Intragenic deletions and duplications as well as pathogenic sequence variants in DMD are associated with X-linked recessive Duchenne muscular dystrophy (DMD) (OMIM 310200), which, IN MALES, is characterized by progressive proximal muscular dystrophy with characteristic pseudohypertrophy of the calves, massive elevation of creatine kinase levels in the blood, myopathic changes by electromyography, and myofiber degeneration with fibrosis and fatty infiltration on muscle biopsy, as well as with Becker muscular dystrophy (BMD) (OMIM 300376), which is considered similar to Duchenne muscular dystrophy in the distribution of muscle wasting and weakness, but with a more benign course. C arrier females of pathogenic alterations of the DMD gene are often not affected, but there is a proportion of carrier females (2.5%-19%) (Ishizaki 2018) that are manifesting carriers. Sequence variants in DMD have also been associated with dilated cardiomyopathy 3B (OMIM 302045). Duplications similar to and smaller than the current interval have been reported in DMD patients, although the mechanism through which partial duplications may interfere with the function of DMD expression has not been confirmed (Guo 2015, Stockley 2006, Trimarco 2008, White 2006). Literature states that DMD duplications are most often inserted in tandem, resulting in gene length change and/or frameshifts that are theorized to be disruptive to gene function (Gualandi 2009, Guo 2015, Trimarco 2008). There is one similar copy number gain of this region (in a likely XX unaffected carrier) in the general populations of the Database of Genomic Variants. Thus, based on current medical literature and exon content, this copy number variant (CNV) is interpreted as likely pathogenic. References: Guo et al., J Hum Genet. 2015 Aug;60(8):435-42. PMID: 25972034. Ishizaki et al., Neuromuscul Disord.?2018 Jul;28(7):572-581. PMID: 29801751. Stockley et al., Genet Test. Winter 2006;10(4):229-43. PMID: 17253928. Trimarco et al., Clin Chem. 2008 Jun;54(6):973-81. PMID: 18403565. White et al., Hum Mutat. 2006 Sep;27(9):938-45. PMID: 16917894.